The following is an entry in ClinVar:

NM_001017995.3(SH3PXD2B):c.1504del (p.Met502fs)

Gene: SH3PXD2B (SH3 and PX domains 2B; minus strand). Cytogenetic location: 5q35.1.
Variant type: Deletion.
Coding change: c.1504del on transcript NM_001017995.3 (MANE Select); coding-DNA position 1504, one base deleted (A; older notation c.1504delA).
Protein change: p.Met502fs; shifts the reading frame from methionine 502.
Molecular consequence: frameshift variant. On other transcripts: intron variant (1).
Genome position (GRCh38, 1-based): chr5:172,339,601, T deleted on the plus strand (A on the coding strand, the reverse complement: SH3PXD2B is on the minus strand). VCF-style (leftmost placement, unchanged base first): chr5-172339600-AT-A. GRCh37 (hg19) VCF-style: chr5-171766604-AT-A.
Other names: c.1188+6535del (NM_001308175.2); short protein forms M502fs.
Identifiers: ClinVar variation 4883856 (VCV004883856.2).

ClinVar aggregate classification (germline): Uncertain significance (1 of 4 stars; one submission).

Conditions:
Frank-Ter Haar syndrome. Also called: TER HAAR SYNDROME; MELNICK-NEEDLES SYNDROME, AUTOSOMAL RECESSIVE; BORRONE DERMATOCARDIOSKELETAL SYNDROME; Borrone di Rocco Crovato syndrome. Identifiers: Orphanet 1266, Orphanet 137834, MedGen C1855305, MONDO:0009579, OMIM 249420.

Submission:

Dasa
Classification: Uncertain significance for Frank-Ter Haar syndrome. Last evaluated: 2025-01-02. Review status: criteria provided, single submitter. Criteria: DASA Assertion Criteria. Collection method: clinical testing. Allele origin: germline.
Comment: NM_001017995.3(SH3PXD2B):c.1504del (p.Met502Cysfs*58) is a frameshift variant in SH3PXD2B predicted to alter the reading frame and introduce a premature termination codon. This variant is absent from population databases. The currently available literature and clinical evidence are not sufficient to establish a definitive association between this variant and the reported condition. Therefore, this variant is classified as a variant of uncertain significance.